The following is an entry in ClinVar:

NM_001042492.3(NF1):c.3974+5G>A

Gene: NF1 (neurofibromin 1; plus strand). Cytogenetic location: 17q11.2.
Variant type: single nucleotide variant.
Coding change: c.3974+5G>A on transcript NM_001042492.3 (MANE Select); 5 bases into the intron after coding-DNA position 3974, G replaced by A.
Molecular consequence: intron variant.
Genome position (GRCh38, 1-based): chr17:31,236,026, G>A. VCF-style: chr17-31236026-G-A. GRCh37 (hg19) VCF-style: chr17-29563044-G-A.
Other names: c.3974+5G>A (NM_000267.4).
Identifiers: ClinVar variation 4615706 (VCV004615706.1).

ClinVar aggregate classification (germline): Likely pathogenic (1 of 4 stars; one submission).

Conditions:
Cardiovascular phenotype. Identifiers: MedGen CN230736.
Hereditary cancer-predisposing syndrome. Also called: Neoplastic Syndromes, Hereditary; Tumor predisposition; Hereditary Cancer Syndrome; Hereditary neoplastic syndrome. Identifiers: Orphanet 140162, MedGen C0027672, MeSH D009386, MONDO:0015356.

Submission:

Ambry Genetics
Classification: Likely pathogenic for Cardiovascular phenotype; Hereditary cancer-predisposing syndrome. Last evaluated: 2025-09-17. Review status: criteria provided, single submitter. Criteria: Ambry Variant Classification Scheme 2023. Collection method: clinical testing. Allele origin: germline.
Comment: The c.3974+5G>A intronic variant results from a G to A substitution 5 nucleotides after coding exon 29 in the NF1 gene. This nucleotide position is highly conserved in available vertebrate species. In silico splice site analysis predicts that this alteration will weaken the native splice donor site. RNA studies have demonstrated that this alteration results in abnormal splicing in the set of samples tested (Ambry internal data). This variant is considered to be rare based on population cohorts in the Genome Aggregation Database (gnomAD). Based on the majority of available evidence to date, this variant is likely to be pathogenic.